The following is an entry in ClinVar:

ClinVar aggregate classification (germline): Uncertain significance. Review status: criteria provided, multiple submitters, no conflicts (2 of 4 stars). 2 submissions from 2 submitters: Uncertain significance (2). Last evaluated 2023-03-16.

Conditions:
Short-rib thoracic dysplasia 10 with or without polydactyly (SRTD10). Identifiers: Orphanet 474, MedGen C3810175, MONDO:0014284, OMIM 615630.
Retinitis pigmentosa 71 (RP71). Identifiers: Orphanet 791, MedGen C4225342, MONDO:0014618, OMIM 616394.

Allele frequency attached by ClinVar (database versions not stated): ExAC 0.00001; TOPMed 0.00001.
gnomAD v4.1: 13 of 1,614,168 alleles (0.00081%); highest among the groups gnomAD compares: South Asian, 0.013%; 1 homozygote.

Submissions (2):

Labcorp Genetics (formerly Invitae), Labcorp
Classification: Uncertain significance for Retinitis pigmentosa 71; Short-rib thoracic dysplasia 10 with or without polydactyly. Last evaluated: 2023-03-16. Review status: criteria provided, single submitter. Criteria: Invitae Variant Classification Sherloc (09022015). Collection method: clinical testing. Allele origin: germline.
Comment: This sequence change replaces histidine, which is basic and polar, with glutamine, which is neutral and polar, at codon 1285 of the IFT172 protein (p.His1285Gln). This variant is present in population databases (rs776343273, gnomAD 0.006%). This variant has not been reported in the literature in individuals affected with IFT172-related conditions. ClinVar contains an entry for this variant (Variation ID: 1302042). Advanced modeling of protein sequence and biophysical properties (such as structural, functional, and spatial information, amino acid conservation, physicochemical variation, residue mobility, and thermodynamic stability) performed at Invitae indicates that this missense variant is not expected to disrupt IFT172 protein function. In summary, the available evidence is currently insufficient to determine the role of this variant in disease. Therefore, it has been classified as a Variant of Uncertain Significance.

GeneDx
Classification: Uncertain significance. Last evaluated: 2019-04-25. Review status: criteria provided, single submitter. Criteria: GeneDx Variant Classification Process June 2021. Collection method: clinical testing. Allele origin: germline. Affected: yes.
Comment: Has not been previously published as pathogenic or benign to our knowledge; In silico analysis, which includes protein predictors and evolutionary conservation, supports that this variant does not alter protein structure/function

NM_015662.3(IFT172):c.3855C>G (p.His1285Gln)

Genes: IFT172 (intraflagellar transport 172; minus strand), LOC126806173 (BRD4-independent group 4 enhancer GRCh37_chr2:27676057-27677256; plus strand). Cytogenetic location: 2p23.3.
Variant type: single nucleotide variant.
Coding change: c.3855C>G on transcript NM_015662.3 (MANE Select); coding-DNA position 3855, C replaced by G.
Protein change: p.His1285Gln; replaces histidine 1285 with glutamine.
Molecular consequence: missense variant.
Genome position (GRCh38, 1-based): chr2:27,453,480, G>C on the plus strand (C>G on the coding strand, the complement: IFT172 is on the minus strand). VCF-style: chr2-27453480-G-C. GRCh37 (hg19) VCF-style: chr2-27676347-G-C.
Other names: short protein forms H1285Q.
Identifiers: ClinVar variation 1302042 (VCV001302042.5), dbSNP rs776343273, ClinGen allele CA1579839.